The following is an entry in ClinVar:

NM_033004.4(NLRP1):c.2357+12A>T

Gene: NLRP1 (NLR family pyrin domain containing 1; minus strand). Cytogenetic location: 17p13.2.
Variant type: single nucleotide variant.
Coding change: c.2357+12A>T on transcript NM_033004.4 (MANE Select); 12 bases into the intron after coding-DNA position 2357, A replaced by T.
Molecular consequence: intron variant.
Genome position (GRCh38, 1-based): chr17:5,558,327, T>A on the plus strand (A>T on the coding strand, the complement: NLRP1 is on the minus strand). VCF-style: chr17-5558327-T-A. GRCh37 (hg19) VCF-style: chr17-5461647-T-A.
Other names: c.2357+12A>T (NM_001033053.3, NM_033007.4, NM_033006.4 and 1 more transcripts).
Identifiers: ClinVar variation 1168712 (VCV001168712.11), dbSNP rs192742587, ClinGen allele CA8327204.

ClinVar aggregate classification (germline): Benign/Likely benign. Review status: criteria provided, multiple submitters, no conflicts (2 of 4 stars). 3 submissions from 3 submitters: Benign (2); Likely benign (1). Last evaluated 2026-04-23.

Allele frequency attached by ClinVar (database versions not stated): TOPMed 0.00222; 1000 Genomes Project 30x 0.00234; 1000 Genomes Project 0.00240; ESP Exome Variant Server 0.00269; gnomAD 0.00450 and 0.00468; gnomAD exomes 0.00474 and 0.00561; ExAC 0.00600.
gnomAD v4.1: 7,426 of 1,581,904 alleles (0.47%); highest among the groups gnomAD compares: Non-Finnish European, 0.45%; 47 homozygotes.

Submissions (3):

Women's Health and Genetics/Laboratory Corporation of America, LabCorp
Classification: Benign. Last evaluated: 2026-04-23. Review status: criteria provided, single submitter. Criteria: LabCorp Variant Classification Summary - May 2015. Collection method: clinical testing. Allele origin: germline.
Comment: Variant summary: NLRP1 c.2357+12A>T alters a nucleotide located at a position not widely known to affect splicing. Consensus agreement among computation tools predict no significant impact on normal splicing. However, these predictions have yet to be confirmed by functional studies. The variant allele was found at a frequency of 0.0056 in 227508 control chromosomes, predominantly at a frequency of 0.0058 within the Non-Finnish European subpopulation in the gnomAD database. The observed variant frequency within Non-Finnish European control individuals in the gnomAD database exceeds the estimated maximal expected allele frequency for disease-causing variants in NLRP1. To our knowledge, no occurrence of c.2357+12A>T in individuals affected with NLRP1-related conditions and no experimental evidence demonstrating its impact on protein function have been reported. ClinVar contains an entry for this variant (Variation ID: 1168712). Based on the evidence outlined above, the variant was classified as benign.

Labcorp Genetics (formerly Invitae), Labcorp
Classification: Benign. Last evaluated: 2026-02-02. Review status: criteria provided, single submitter. Criteria: Invitae Variant Classification Sherloc (09022015). Collection method: clinical testing. Allele origin: germline.

Blueprint Genetics
Classification: Likely benign. Last evaluated: 2024-11-27. Review status: criteria provided, single submitter. Criteria: ACMG Guidelines, 2015. Collection method: clinical testing. Allele origin: germline.